The following is an entry in ClinVar:

NM_001164508.2(NEB):c.20360_20361insA (p.Ser6788fs)

Gene: NEB (nebulin; minus strand). Cytogenetic location: 2q23.3.
Variant type: Insertion.
Coding change: c.20360_20361insA on transcript NM_001164508.2 (MANE Select); coding-DNA positions 20360 to 20361, A inserted.
Protein change: p.Ser6788fs; shifts the reading frame from serine 6788.
Molecular consequence: frameshift variant.
Genome position: GRCh38 VCF-style: chr2-151547435-G-GT. GRCh37 (hg19) VCF-style: chr2-152403949-G-GT.
Other names: c.15257_15258insA, p.Ser5087fs (NM_004543.5); c.20360_20361insA, p.Ser6788fs (NM_001164507.2, NM_001271208.2); short protein forms S6788fs, S5087fs.
Identifiers: ClinVar variation 1454069 (VCV001454069.7), dbSNP rs2153615795, ClinGen allele CA2573133363.

ClinVar aggregate classification (germline): Pathogenic. Review status: criteria provided, multiple submitters, no conflicts (2 of 4 stars). 2 submissions from 2 submitters: Pathogenic (2). Last evaluated 2025-01-20.

Conditions:
Nemaline myopathy 2 (NEM2). Also called: Nemaline myopathy 2, autosomal recessive. Identifiers: MedGen C1850569, MONDO:0009725, OMIM 256030.

Submissions (2):

Labcorp Genetics (formerly Invitae), Labcorp
Classification: Pathogenic for Nemaline myopathy 2. Last evaluated: 2025-01-20. Review status: criteria provided, single submitter. Criteria: Invitae Variant Classification Sherloc (09022015). Collection method: clinical testing. Allele origin: germline.
Comment: This sequence change creates a premature translational stop signal (p.Ser6788Glnfs*2) in the NEB gene. It is expected to result in an absent or disrupted protein product. Loss-of-function variants in NEB are known to be pathogenic (PMID: 25205138). This variant is not present in population databases (gnomAD no frequency). This premature translational stop signal has been observed in individual(s) with nemaline myopathy (PMID: 32222963). ClinVar contains an entry for this variant (Variation ID: 1454069). Algorithms developed to predict the effect of sequence changes on RNA splicing suggest that this variant may disrupt the consensus splice site. For these reasons, this variant has been classified as Pathogenic.

Myriad Genetics, Inc.
Classification: Pathogenic for Nemaline myopathy 2. Last evaluated: 2024-05-13. Review status: criteria provided, single submitter. Criteria: Myriad Autosomal Dominant, Autosomal Recessive and X-Linked Classification Criteria (2023). Collection method: clinical testing. Allele origin: unknown.
Comment: NM_001271208.1(NEB):c.20360_20361insA(S6788Qfs*2) is expected to be pathogenic in the context of NEB-related nemaline myopathy. This variant is predicted to lead to an abnormal or absent protein product due to the creation of a premature termination codon in NEB, a gene where loss-of-function variants are known to be pathogenic. Please note: this variant was assessed in the context of healthy population screening.

Literature cited by the submitters: PubMed 25205138 (cited by Labcorp Genetics (formerly Invitae), Labcorp); PubMed 32222963 (cited by Labcorp Genetics (formerly Invitae), Labcorp).